The following is an entry in ClinVar:

NM_013436.5(NCKAP1):c.646C>T (p.Arg216Ter)

Gene: NCKAP1 (NCK associated protein 1; minus strand). Cytogenetic location: 2q32.1.
Variant type: single nucleotide variant.
Coding change: c.646C>T on transcript NM_013436.5 (MANE Select); coding-DNA position 646, C replaced by T.
Protein change: p.Arg216Ter; replaces arginine 216 with a stop codon.
Molecular consequence: nonsense.
Genome position (GRCh38, 1-based): chr2:182,995,796, G>A on the plus strand (C>T on the coding strand, the complement: NCKAP1 is on the minus strand). VCF-style: chr2-182995796-G-A. GRCh37 (hg19) VCF-style: chr2-183860524-G-A.
Other names: c.640C>T, p.Arg214Ter (NM_001437266.1); c.658C>T, p.Arg220Ter (NM_001437267.1); c.664C>T, p.Arg222Ter (NM_205842.3); short protein forms R214*, R216*, R220*, R222*.
Identifiers: ClinVar variation 4891388 (VCV004891388.1).
Genomic context (GRCh38, chr2:182,995,796, plus strand): 5'-GTGCACTGATGAGGCTCAATAACTGGGCATTTCTCCACTGGTCAGCTGAAAGATTCCTTC[G>A]AGGATATACCATTTGAAGAGAAATTAGTGCATCTGAAAGAGACTAATTAAAATACGAAAA-3'

ClinVar aggregate classification (germline): Pathogenic (1 of 4 stars; one submission).

Submission:

GeneDx
Classification: Pathogenic. Last evaluated: 2026-02-03. Review status: criteria provided, single submitter. Criteria: GeneDx Variant Classification Process June 2021. Collection method: clinical testing. Allele origin: germline.
Comment: Nonsense variant predicted to result in protein truncation or nonsense mediated decay in a gene for which loss of function is a known mechanism of disease; Not observed at significant frequency in large population cohorts (gnomAD); Has not been previously published as pathogenic or benign to our knowledge